The following is an entry in ClinVar:

NM_015178.3(RHOBTB2):c.1421T>A (p.Met474Lys)

Gene: RHOBTB2 (Rho related BTB domain containing 2; plus strand). Cytogenetic location: 8p21.3.
Variant type: single nucleotide variant.
Coding change: c.1421T>A on transcript NM_015178.3 (MANE Select); coding-DNA position 1421, T replaced by A.
Protein change: p.Met474Lys; replaces methionine 474 with lysine.
Molecular consequence: missense variant.
Genome position (GRCh38, 1-based): chr8:23,007,666, T>A. VCF-style: chr8-23007666-T-A. GRCh37 (hg19) VCF-style: chr8-22865179-T-A.
Other names: c.1487T>A, p.Met496Lys (NM_001160036.2); c.1442T>A, p.Met481Lys (NM_001160037.2); c.1421T>A, p.Met474Lys (NM_001374791.1); short protein forms M481K, M474K, M496K.
Identifiers: ClinVar variation 1995169 (VCV001995169.4), dbSNP rs2487014275, ClinGen allele CA370569118.

ClinVar aggregate classification (germline): Uncertain significance (1 of 4 stars; one submission).

Submission:

Labcorp Genetics (formerly Invitae), Labcorp
Classification: Uncertain significance. Last evaluated: 2024-10-23. Review status: criteria provided, single submitter. Criteria: Invitae Variant Classification Sherloc (09022015). Collection method: clinical testing. Allele origin: germline.
Comment: This sequence change replaces methionine, which is neutral and non-polar, with lysine, which is basic and polar, at codon 496 of the RHOBTB2 protein (p.Met496Lys). This variant is not present in population databases (gnomAD no frequency). This variant has not been reported in the literature in individuals affected with RHOBTB2-related conditions. ClinVar contains an entry for this variant (Variation ID: 1995169). Invitae Evidence Modeling of protein sequence and biophysical properties (such as structural, functional, and spatial information, amino acid conservation, physicochemical variation, residue mobility, and thermodynamic stability) indicates that this missense variant is not expected to disrupt RHOBTB2 protein function with a negative predictive value of 80%. In summary, the available evidence is currently insufficient to determine the role of this variant in disease. Therefore, it has been classified as a Variant of Uncertain Significance.